The following is an entry in ClinVar:

ClinVar aggregate classification (germline): Uncertain significance (1 of 4 stars; one submission).

Allele frequency attached by ClinVar (database versions not stated): gnomAD 0.00001; gnomAD exomes 0.00001; TOPMed 0.00002.
gnomAD v4.1: 14 of 1,613,968 alleles (0.00087%); highest among the groups gnomAD compares: African/African-American, 0.0027%; no homozygotes.

Submission:

Labcorp Genetics (formerly Invitae), Labcorp
Classification: Uncertain significance. Last evaluated: 2023-03-08. Review status: criteria provided, single submitter. Criteria: Invitae Variant Classification Sherloc (09022015). Collection method: clinical testing. Allele origin: germline.
Comment: In summary, the available evidence is currently insufficient to determine the role of this variant in disease. Therefore, it has been classified as a Variant of Uncertain Significance. Advanced modeling of protein sequence and biophysical properties (such as structural, functional, and spatial information, amino acid conservation, physicochemical variation, residue mobility, and thermodynamic stability) performed at Invitae indicates that this missense variant is not expected to disrupt FLNB protein function. This variant has not been reported in the literature in individuals affected with FLNB-related conditions. This variant is not present in population databases (gnomAD no frequency). This sequence change replaces valine, which is neutral and non-polar, with isoleucine, which is neutral and non-polar, at codon 2571 of the FLNB protein (p.Val2571Ile).

NM_001457.4(FLNB):c.7711G>A (p.Val2571Ile)

Gene: FLNB (filamin B; plus strand). Cytogenetic location: 3p14.3.
Variant type: single nucleotide variant.
Coding change: c.7711G>A on transcript NM_001457.4 (MANE Select); coding-DNA position 7711, G replaced by A.
Protein change: p.Val2571Ile; replaces valine 2571 with isoleucine.
Molecular consequence: missense variant.
Genome position (GRCh38, 1-based): chr3:58,170,664, G>A. VCF-style: chr3-58170664-G-A. GRCh37 (hg19) VCF-style: chr3-58156391-G-A.
Other names: c.7804G>A, p.Val2602Ile (NM_001164317.2); c.7678G>A, p.Val2560Ile (NM_001164318.2); c.7639G>A, p.Val2547Ile (NM_001164319.2); short protein forms V2547I, V2560I, V2571I, V2602I.
Identifiers: ClinVar variation 2960277 (VCV002960277.3), dbSNP rs957570616, ClinGen allele CA75435006.